The following is an entry in ClinVar:

NM_001330260.2(SCN8A):c.2072A>G (p.Tyr691Cys)

Gene: SCN8A (sodium voltage-gated channel alpha subunit 8; plus strand). Cytogenetic location: 12q13.13.
Variant type: single nucleotide variant.
Coding change: c.2072A>G on transcript NM_001330260.2 (MANE Select); coding-DNA position 2072, A replaced by G.
Protein change: p.Tyr691Cys; replaces tyrosine 691 with cysteine.
Molecular consequence: missense variant.
Genome position (GRCh38, 1-based): chr12:51,745,976, A>G. VCF-style: chr12-51745976-A-G. GRCh37 (hg19) VCF-style: chr12-52139760-A-G.
Other names: c.2072A>G, p.Tyr691Cys (NM_001177984.3, NM_001369788.1, NM_014191.4); short protein forms Y691C.
Identifiers: ClinVar variation 1465010 (VCV001465010.7), dbSNP rs2138828814, ClinGen allele CA384878727.

ClinVar aggregate classification (germline): Uncertain significance (1 of 4 stars; one submission).

Conditions:
Early-infantile DEE. Also called: Ohtahara syndrome; Early infantile epileptic encephalopathy with suppression bursts; Early infantile epileptic encephalopathy. Identifiers: Orphanet 1934, MedGen C0393706, MONDO:0800491.

Submission:

Labcorp Genetics (formerly Invitae), Labcorp
Classification: Uncertain significance for Early-infantile DEE. Last evaluated: 2024-05-13. Review status: criteria provided, single submitter. Criteria: Invitae Variant Classification Sherloc (09022015). Collection method: clinical testing. Allele origin: germline.
Comment: This sequence change replaces tyrosine, which is neutral and polar, with cysteine, which is neutral and slightly polar, at codon 691 of the SCN8A protein (p.Tyr691Cys). This variant is not present in population databases (gnomAD no frequency). This variant has not been reported in the literature in individuals affected with SCN8A-related conditions. ClinVar contains an entry for this variant (Variation ID: 1465010). Advanced modeling of protein sequence and biophysical properties (such as structural, functional, and spatial information, amino acid conservation, physicochemical variation, residue mobility, and thermodynamic stability) performed at Invitae indicates that this missense variant is not expected to disrupt SCN8A protein function with a negative predictive value of 95%. In summary, the available evidence is currently insufficient to determine the role of this variant in disease. Therefore, it has been classified as a Variant of Uncertain Significance.